The following is an entry in ClinVar:

ClinVar aggregate classification (germline): Uncertain significance. Review status: criteria provided, multiple submitters, no conflicts (2 of 4 stars). 2 submissions from 2 submitters: Uncertain significance (2). Last evaluated 2025-02-07.

Conditions:
Inborn genetic diseases. Identifiers: MedGen C0950123, MeSH D030342.

Allele frequency attached by ClinVar (database versions not stated): gnomAD exomes below 0.00001.
gnomAD v4.1: 3 of 1,614,088 alleles (0.00019%); highest among the groups gnomAD compares: Non-Finnish European, 0.00025%; no homozygotes.

Submissions (2):

Ambry Genetics
Classification: Uncertain significance for Inborn genetic diseases. Last evaluated: 2025-02-07. Review status: criteria provided, single submitter. Criteria: Ambry Variant Classification Scheme 2023. Collection method: clinical testing. Allele origin: germline.

Labcorp Genetics (formerly Invitae), Labcorp
Classification: Uncertain significance. Last evaluated: 2024-11-10. Review status: criteria provided, single submitter. Criteria: Invitae Variant Classification Sherloc (09022015). Collection method: clinical testing. Allele origin: germline.
Comment: This sequence change replaces arginine, which is basic and polar, with glutamine, which is neutral and polar, at codon 96 of the RAD51 protein (p.Arg96Gln). This variant is not present in population databases (gnomAD no frequency). This variant has not been reported in the literature in individuals affected with RAD51-related conditions. ClinVar contains an entry for this variant (Variation ID: 1797158). Invitae Evidence Modeling of protein sequence and biophysical properties (such as structural, functional, and spatial information, amino acid conservation, physicochemical variation, residue mobility, and thermodynamic stability) has been performed for this missense variant. However, the output from this modeling did not meet the statistical confidence thresholds required to predict the impact of this variant on RAD51 protein function. In summary, the available evidence is currently insufficient to determine the role of this variant in disease. Therefore, it has been classified as a Variant of Uncertain Significance.

NM_002875.5(RAD51):c.287G>A (p.Arg96Gln)

Gene: RAD51 (RAD51 recombinase; plus strand). Cytogenetic location: 15q15.1.
Variant type: single nucleotide variant.
Coding change: c.287G>A on transcript NM_002875.5 (MANE Select); coding-DNA position 287, G replaced by A.
Protein change: p.Arg96Gln; replaces arginine 96 with glutamine.
Molecular consequence: missense variant. On other transcripts: intron variant (2).
Genome position (GRCh38, 1-based): chr15:40,706,238, G>A. VCF-style: chr15-40706238-G-A. GRCh37 (hg19) VCF-style: chr15-40998436-G-A.
Other names: c.287G>A, p.Arg96Gln (NM_001164270.2); c.347-2787G>A (NM_133487.4, NM_001164269.2); short protein forms R96Q.
Identifiers: ClinVar variation 1797158 (VCV001797158.6), dbSNP rs1895329658, ClinGen allele CA391749738.